The following is an entry in ClinVar:

NM_000051.4(ATM):c.6628del (p.Gln2210fs)

Genes: ATM (ATM serine/threonine kinase; plus strand), C11orf65 (chromosome 11 open reading frame 65; minus strand). Cytogenetic location: 11q22.3.
Variant type: Deletion.
Coding change: c.6628del on transcript NM_000051.4 (MANE Select); coding-DNA position 6628, one base deleted (C; older notation c.6628delC).
Protein change: p.Gln2210fs; shifts the reading frame from glutamine 2210.
Molecular consequence: frameshift variant. On other transcripts: intron variant (2).
Genome position (GRCh38, 1-based): chr11:108,325,365, C deleted; the last of 3 consecutive C bases (chr11:108,325,363-108,325,365); deleting any one gives the same sequence. VCF-style (leftmost placement, unchanged base first): chr11-108325362-TC-T. GRCh37 (hg19) VCF-style: chr11-108196089-TC-T.
Other names: c.6628del, p.Gln2210fs (NM_001351834.2); c.641-16292del (NM_001330368.2); c.*38+9857del (NM_001351110.2); short protein forms Q2210fs.
Identifiers: ClinVar variation 265548 (VCV000265548.11), dbSNP rs886039616, ClinGen allele CA10588505.
Genomic context (GRCh38, chr11:108,325,362, plus strand): 5'-GCATTCAGATCAGTCACACATAGACAACTCTCTGAAGTATATATTAAGTGGCAGAAACAC[TC>T]CCAGCTTCTCAAGGACAGTGATTTTAGTTTTCAGGAGCCTATCATGGCTCTACGCACAGT-3'

ClinVar aggregate classification (germline): Pathogenic/Likely pathogenic. Review status: criteria provided, multiple submitters, no conflicts (2 of 4 stars). 4 submissions from 4 submitters: Pathogenic (3); Likely pathogenic (1). Last evaluated 2024-01-30.

Conditions:
Hereditary cancer-predisposing syndrome. Also called: Neoplastic Syndromes, Hereditary; Hereditary neoplastic syndrome; Tumor predisposition; Hereditary Cancer Syndrome. Identifiers: Orphanet 140162, MedGen C0027672, MeSH D009386, MONDO:0015356.
Ataxia-telangiectasia syndrome (AT). Also called: Ataxia telangiectasia (A-T); Cerebello-oculocutaneous telangiectasia; Immunodeficiency with ataxia telangiectasia; LOUIS-BAR SYNDROME; AT, COMPLEMENTATION GROUP C; ATAXIA-TELANGIECTASIA, FRESNO VARIANT. Identifiers: Orphanet 100, MedGen C0004135, MONDO:0008840, OMIM 208900.
Familial cancer of breast. Also called: hereditary breast carcinoma; Hereditary breast cancer; BREAST CANCER, FAMILIAL. Identifiers: Orphanet 227535, MedGen C0346153, MONDO:0016419, OMIM 114480. Disease mechanism: loss of function.

Submissions (4):

Myriad Genetics, Inc.
Classification: Pathogenic for Familial cancer of breast. Last evaluated: 2024-01-30. Review status: criteria provided, single submitter. Criteria: Myriad Autosomal Dominant, Autosomal Recessive and X-Linked Classification Criteria (2023). Collection method: clinical testing. Allele origin: unknown.
Comment: This variant is considered pathogenic. This variant creates a frameshift predicted to result in premature protein truncation.

Labcorp Genetics (formerly Invitae), Labcorp
Classification: Pathogenic for Ataxia-telangiectasia syndrome. Last evaluated: 2023-09-23. Review status: criteria provided, single submitter. Criteria: Invitae Variant Classification Sherloc (09022015). Collection method: clinical testing. Allele origin: germline.
Comment: For these reasons, this variant has been classified as Pathogenic. ClinVar contains an entry for this variant (Variation ID: 265548). This premature translational stop signal has been observed in individual(s) with prostate cancer (PMID: 32853339). This variant is not present in population databases (gnomAD no frequency). This sequence change creates a premature translational stop signal (p.Gln2210Serfs*25) in the ATM gene. It is expected to result in an absent or disrupted protein product. Loss-of-function variants in ATM are known to be pathogenic (PMID: 23807571, 25614872).

Ambry Genetics
Classification: Pathogenic for Hereditary cancer-predisposing syndrome. Last evaluated: 2020-09-14. Review status: criteria provided, single submitter. Criteria: Ambry Variant Classification Scheme 2023. Collection method: clinical testing. Allele origin: germline.
Comment: The c.6628delC pathogenic mutation, located in coding exon 45 of the ATM gene, results from a deletion of one nucleotide at nucleotide position 6628, causing a translational frameshift with a predicted alternate stop codon (p.Q2210Sfs*25). This alteration is expected to result in loss of function by premature protein truncation or nonsense-mediated mRNA decay. As such, this alteration is interpreted as a disease-causing mutation.

GeneDx
Classification: Likely pathogenic. Last evaluated: 2016-01-13. Review status: criteria provided, single submitter. Criteria: GeneDx Variant Classification (06012015). Collection method: clinical testing. Allele origin: germline. Affected: yes.
Comment: This deletion of one nucleotide in ATM is denoted c.6628delC at the cDNA level and p.Gln2210SerfsX25 (Q2210SfsX25) at the protein level. The normal sequence, with the base that is deleted in braces, is CTCC[C]AGCT. The deletion causes a frameshift, which changes a Glutamine to a Serine at codon 2210, and creates a premature stop codon at position 25 of the new reading frame. Although this variant has not, to our knowledge, been reported in the literature, it is predicted to cause loss of normal protein function through either protein truncation or nonsense-mediated mRNA decay. Based on the currently available information, we consider this deletion to be a likely pathogenic variant.

Literature cited by the submitters: PubMed 32853339 (cited by Labcorp Genetics (formerly Invitae), Labcorp); PubMed 23807571 (cited by Labcorp Genetics (formerly Invitae), Labcorp); PubMed 25614872 (cited by Labcorp Genetics (formerly Invitae), Labcorp).